The following is an entry in ClinVar:

NM_000632.4(ITGAM):c.2167G>C (p.Glu723Gln)

Gene: ITGAM (integrin subunit alpha M; plus strand). Cytogenetic location: 16p11.2.
Variant type: single nucleotide variant.
Coding change: c.2167G>C on transcript NM_000632.4 (MANE Select); coding-DNA position 2167, G replaced by C.
Protein change: p.Glu723Gln; replaces glutamic acid 723 with glutamine.
Molecular consequence: missense variant.
Genome position (GRCh38, 1-based): chr16:31,324,660, G>C. VCF-style: chr16-31324660-G-C. GRCh37 (hg19) VCF-style: chr16-31335981-G-C.
Other names: c.2170G>C, p.Glu724Gln (NM_001145808.2); short protein forms E724Q, E723Q.
Identifiers: ClinVar variation 2696963 (VCV002696963.3), dbSNP rs761156773, ClinGen allele CA395688124.
Genomic context (GRCh38, chr16:31,324,660, plus strand): 5'-GGGCTTGGGGAGCTGAGGAGGGCAGATCCCCAAATCCCGGCTATCTCTTAGAATTGCATC[G>C]AGGACCCAGTGAGCCCCATTGTGCTGCGCCTGAACTTCTCTCTGGTGGGAACGCCATTGT-3'
Protein context (NP_000623.2, residues 713-733): TLKLQLPNCI[Glu723Gln]DPVSPIVLRL

ClinVar aggregate classification (germline): Uncertain significance (1 of 4 stars; one submission).

Submission:

Labcorp Genetics (formerly Invitae), Labcorp
Classification: Uncertain significance. Last evaluated: 2023-11-18. Review status: criteria provided, single submitter. Criteria: Invitae Variant Classification Sherloc (09022015). Collection method: clinical testing. Allele origin: germline.
Comment: This sequence change replaces glutamic acid, which is acidic and polar, with glutamine, which is neutral and polar, at codon 723 of the ITGAM protein (p.Glu723Gln). This variant is not present in population databases (gnomAD no frequency). This variant has not been reported in the literature in individuals affected with ITGAM-related conditions. An algorithm developed to predict the effect of missense changes on protein structure and function (PolyPhen-2) suggests that this variant is likely to be tolerated. In summary, the available evidence is currently insufficient to determine the role of this variant in disease. Therefore, it has been classified as a Variant of Uncertain Significance.